The following is an entry in ClinVar:

ClinVar aggregate classification (germline): Pathogenic (1 of 4 stars; one submission).

Conditions:
Charlevoix-Saguenay spastic ataxia (SACS). Also called: SPASTIC ATAXIA 6, AUTOSOMAL RECESSIVE; AUTOSOMAL RECESSIVE SPASTIC ATAXIA OF CHARLEVOIX-SAGUENAY; Spastic ataxia of Charlevoix-Saguenay. Identifiers: Orphanet 98, MedGen C1849140, MONDO:0010041, OMIM 270550.

Submission:

Myriad Genetics, Inc.
Classification: Pathogenic for Charlevoix-Saguenay spastic ataxia. Last evaluated: 2025-07-10. Review status: criteria provided, single submitter. Criteria: Myriad Autosomal Dominant, Autosomal Recessive and X-Linked Classification Criteria (2023). Collection method: clinical testing. Allele origin: unknown.
Comment: NM_014363.4(SACS):c.9030delT(I3011*) is a nonsense variant classified as pathogenic in the context of autosomal recessive spastic ataxia of Charlevoix-Saguenay. I3011* has not been observed in cases with relevant disease. Relevant functional assessments of this variant are not available in the literature. I3011* has not been observed in referenced population frequency databases. In summary, NM_014363.4(SACS):c.9030delT(I3011*) is a nonsense variant in a gene where loss of function is a known mechanism of disease and is predicted to disrupt protein function. Please note: this variant was assessed in the context of healthy population screening.

NM_014363.6(SACS):c.9030del (p.Val3010_Ile3011insTer)

Gene: SACS (sacsin molecular chaperone; minus strand). Cytogenetic location: 13q12.12.
Variant type: Deletion.
Coding change: c.9030del on transcript NM_014363.6 (MANE Select); coding-DNA position 9030, one base deleted (T; older notation c.9030delT).
Protein change: p.Val3010_Ile3011insTer.
Molecular consequence: frameshift variant.
Genome position (GRCh38, 1-based): chr13:23,334,846, A deleted on the plus strand (T on the coding strand, the reverse complement: SACS is on the minus strand); the first of 2 consecutive A bases (chr13:23,334,846-23,334,847); deleting either gives the same sequence. VCF-style (leftmost placement, unchanged base first): chr13-23334845-TA-T. GRCh37 (hg19) VCF-style: chr13-23908984-TA-T.
Other names: c.8589del, p.Val2863_Ile2864insTer (NM_001278055.2); c.9057del, p.Val3019_Ile3020insTer (NM_001437336.1).
Identifiers: ClinVar variation 4081791 (VCV004081791.1).